The following is an entry in ClinVar:

ClinVar aggregate classification (germline): Uncertain significance. Review status: criteria provided, multiple submitters, no conflicts (2 of 4 stars). 5 submissions from 5 submitters: Uncertain significance (5). Last evaluated 2026-02-09.

Conditions:
TMEM127-related disorder. Also called: TMEM127-related condition.
Hereditary cancer-predisposing syndrome. Also called: Neoplastic Syndromes, Hereditary; Hereditary neoplastic syndrome; Hereditary Cancer Syndrome; Tumor predisposition. Identifiers: Orphanet 140162, MedGen C0027672, MeSH D009386, MONDO:0015356.
Hereditary pheochromocytoma and paraganglioma. Also called: Hereditary Paraganglioma-Pheochromocytoma Syndromes; Hereditary pheochromocytoma-paraganglioma; Hereditary paragangliomas and pheochromocytomas. Identifiers: Orphanet 29072, MedGen C4274332, MONDO:0017366.
Pheochromocytoma. Also called: MAX-Related Hereditary Paraganglioma-Pheochromocytoma Syndrome. Identifiers: Orphanet 29072, MedGen C0031511, MONDO:0008233, OMIM 171300, HP:0002666.

Allele frequency attached by ClinVar (database versions not stated): TOPMed below 0.00001; ExAC 0.00001; gnomAD 0.00001; gnomAD exomes 0.00001 and 0.00002.
gnomAD v4.1: 26 of 1,613,856 alleles (0.0016%); highest among the groups gnomAD compares: Non-Finnish European, 0.0022%; no homozygotes.

Submissions (5):

PreventionGenetics, part of Exact Sciences
Classification: Uncertain significance for TMEM127-related condition. Last evaluated: 2026-02-09. Review status: criteria provided, single submitter. Criteria: ACMG Guidelines, 2015. Collection method: clinical testing. Allele origin: germline.
Comment: The TMEM127 c.619G>A variant is predicted to result in the amino acid substitution p.Ala207Thr. To our knowledge, this variant has not been reported in the literature. This variant is reported in 0.0018% of alleles in individuals of European (Non-Finnish) descent in gnomAD and is classified as uncertain in ClinVar (Variation ID: 241227). At this time, the clinical significance of this variant is uncertain due to the absence of conclusive functional and genetic evidence.

Labcorp Genetics (formerly Invitae), Labcorp
Classification: Uncertain significance for Hereditary pheochromocytoma and paraganglioma. Last evaluated: 2025-11-18. Review status: criteria provided, single submitter. Criteria: Invitae Variant Classification Sherloc (09022015). Collection method: clinical testing. Allele origin: germline.
Comment: This sequence change replaces alanine, which is neutral and non-polar, with threonine, which is neutral and polar, at codon 207 of the TMEM127 protein (p.Ala207Thr). This variant is present in population databases (rs756818796, gnomAD 0.002%). This variant has not been reported in the literature in individuals affected with TMEM127-related conditions. ClinVar contains an entry for this variant (Variation ID: 241227). An algorithm developed to predict the effect of missense changes on protein structure and function (PolyPhen-2) suggests that this variant is likely to be disruptive. In summary, the available evidence is currently insufficient to determine the role of this variant in disease. Therefore, it has been classified as a Variant of Uncertain Significance.

Ambry Genetics
Classification: Uncertain significance for Hereditary cancer-predisposing syndrome. Last evaluated: 2025-09-25. Review status: criteria provided, single submitter. Criteria: Ambry Variant Classification Scheme 2023. Collection method: clinical testing. Allele origin: germline.
Comment: The p.A207T variant (also known as c.619G>A), located in coding exon 3 of the TMEM127 gene, results from a G to A substitution at nucleotide position 619. The alanine at codon 207 is replaced by threonine, an amino acid with similar properties. This amino acid position is highly conserved in available vertebrate species. In addition, the in silico prediction for this alteration is inconclusive. Based on the available evidence, the clinical significance of this variant remains unclear.

Baylor Genetics
Classification: Uncertain significance for Pheochromocytoma. Last evaluated: 2024-01-04. Review status: criteria provided, single submitter. Criteria: ACMG Guidelines, 2015. Collection method: clinical testing. Allele origin: unknown.

GeneDx
Classification: Uncertain significance. Last evaluated: 2023-11-29. Review status: criteria provided, single submitter. Criteria: GeneDx Variant Classification Process June 2021. Collection method: clinical testing. Allele origin: germline.
Comment: Not observed at significant frequency in large population cohorts (gnomAD); In silico analysis supports that this missense variant does not alter protein structure/function; Has not been previously published as pathogenic or benign to our knowledge

NM_017849.4(TMEM127):c.619G>A (p.Ala207Thr)

Gene: TMEM127 (transmembrane protein 127; minus strand). Cytogenetic location: 2q11.2.
Variant type: single nucleotide variant.
Coding change: c.619G>A on transcript NM_017849.4 (MANE Select); coding-DNA position 619, G replaced by A.
Protein change: p.Ala207Thr; replaces alanine 207 with threonine.
Molecular consequence: missense variant.
Genome position (GRCh38, 1-based): chr2:96,253,906, C>T on the plus strand (G>A on the coding strand, the complement: TMEM127 is on the minus strand). VCF-style: chr2-96253906-C-T. GRCh37 (hg19) VCF-style: chr2-96919644-C-T.
Other names: c.619G>A, p.Ala207Thr (NM_001193304.3); short protein forms A207T.
Identifiers: ClinVar variation 241227 (VCV000241227.18), dbSNP rs756818796, ClinGen allele CA1777269.